The following is an entry in ClinVar:

ClinVar aggregate classification (germline): Uncertain significance (1 of 4 stars; one submission).

Submission:

Labcorp Genetics (formerly Invitae), Labcorp
Classification: Uncertain significance. Last evaluated: 2022-10-21. Review status: criteria provided, single submitter. Criteria: Invitae Variant Classification Sherloc (09022015). Collection method: clinical testing. Allele origin: germline.
Comment: In summary, the available evidence is currently insufficient to determine the role of this variant in disease. Therefore, it has been classified as a Variant of Uncertain Significance. Experimental studies and prediction algorithms are not available or were not evaluated, and the functional significance of this variant is currently unknown. This variant has not been reported in the literature in individuals affected with OR2W3-related conditions. This variant is present in population databases (rs749609149, gnomAD 0.002%). This sequence change creates a premature translational stop signal (p.Ala116Leufs*19) in the OR2W3 gene. While this is not anticipated to result in nonsense mediated decay, it is expected to disrupt the last 199 amino acid(s) of the OR2W3 protein.

NM_001001957.2(OR2W3):c.346del (p.Ala116fs)

Gene: OR2W3 (olfactory receptor family 2 subfamily W member 3; plus strand). Cytogenetic location: 1q44.
Variant type: Deletion.
Coding change: c.346del on transcript NM_001001957.2 (MANE Select); coding-DNA position 346, one base deleted (G; older notation c.346delG).
Protein change: p.Ala116fs; shifts the reading frame from alanine 116.
Molecular consequence: frameshift variant.
Genome position (GRCh38, 1-based): chr1:247,895,932, G deleted; the last of 2 consecutive G bases (chr1:247,895,931-247,895,932); deleting either gives the same sequence. VCF-style (leftmost placement, unchanged base first): chr1-247895930-TG-T. GRCh37 (hg19) VCF-style: chr1-248059232-TG-T.
Other names: short protein forms A116fs.
Identifiers: ClinVar variation 2068325 (VCV002068325.4), dbSNP rs749609149, ClinGen allele CA1498575.
Genomic context (GRCh38, chr1:247,895,930, plus strand): 5'-TGGGCTGTGCCATCCAGCTCTTCCTGTTCCTGGGTCTGGGTGGTGTGGAGTGCCTGCTTC[TG>T]GCTGTCATGGCCTATGACCGGTGTGTGGCTATCTGCAAGCCCCTGCACTACATGGTGATC-3'